The following is an entry in ClinVar:

NM_001378418.1(TCF20):c.1602G>A (p.Val534=)

Gene: TCF20 (transcription factor 20; minus strand). Cytogenetic location: 22q13.2.
Variant type: single nucleotide variant.
Coding change: c.1602G>A on transcript NM_001378418.1 (MANE Select); coding-DNA position 1602, G replaced by A.
Protein change: p.Val534=; no amino-acid change (valine 534 retained).
Molecular consequence: synonymous variant.
Genome position (GRCh38, 1-based): chr22:42,213,704, C>T on the plus strand (G>A on the coding strand, the complement: TCF20 is on the minus strand). VCF-style: chr22-42213704-C-T. GRCh37 (hg19) VCF-style: chr22-42609710-C-T.
Other names: c.1602G>A, p.Val534= (NM_005650.4, NM_181492.3).
Identifiers: ClinVar variation 2627269 (VCV002627269.3), dbSNP rs1185526307, ClinGen allele CA514802819.
Genomic context (GRCh38, chr22:42,213,704, plus strand): 5'-CTCAGAGGCTCCACCCTTGTAGGTGGTGTCAGAGCTGGTGCTCTGGCCACTTAGTTGCCG[C>T]ACTCTCTCGCCTTGATCCTCTGAACTGCTGGAGCAGCCTCCATCTAATGACTCTGCCATA-3'
Protein context (NP_001365347.1, residues 524-544): SSSSEDQGER[Val534=]RQLSGQSTSS

ClinVar aggregate classification (germline): Likely benign. Review status: criteria provided, multiple submitters, no conflicts (2 of 4 stars). 2 submissions from 2 submitters: Likely benign (2). Last evaluated 2024-04-10.

Allele frequency attached by ClinVar (database versions not stated): gnomAD exomes below 0.00001.
gnomAD v4.1: 3 of 1,614,024 alleles (0.00019%); highest among the groups gnomAD compares: Non-Finnish European, 0.00025%; no homozygotes.

Submissions (2):

Labcorp Genetics (formerly Invitae), Labcorp
Classification: Likely benign. Last evaluated: 2024-04-10. Review status: criteria provided, single submitter. Criteria: Invitae Variant Classification Sherloc (09022015). Collection method: clinical testing. Allele origin: germline.

Women's Health and Genetics/Laboratory Corporation of America, LabCorp
Classification: Likely benign. Last evaluated: 2023-09-18. Review status: criteria provided, single submitter. Criteria: LabCorp Variant Classification Summary - May 2015. Collection method: clinical testing. Allele origin: germline.
Comment: Variant summary: TCF20 c.1602G>A alters a non-conserved nucleotide resulting in a synonymous change. Consensus agreement among computation tools predict no significant impact on normal splicing. However, these predictions have yet to be confirmed by functional studies. The variant allele was found at a frequency of 4e-06 in 251190 control chromosomes (gnomAD). The available data on variant occurrences in the general population are insufficient to allow any conclusion about variant significance. To our knowledge, no occurrence of c.1602G>A in individuals affected with Developmental Delay With Variable Intellectual Impairment And Behavioral Abnormalities and no experimental evidence demonstrating its impact on protein function have been reported. No submitters have cited clinical-significance assessments for this variant to ClinVar after 2014. Based on the evidence outlined above, the variant was classified as likely benign.